The following is an entry in ClinVar:

NM_000520.6(HEXA):c.1176G>A (p.Trp392Ter)

Gene: HEXA (hexosaminidase subunit alpha; minus strand). Cytogenetic location: 15q23.
Variant type: single nucleotide variant.
Coding change: c.1176G>A on transcript NM_000520.6 (MANE Select); coding-DNA position 1176, G replaced by A.
Protein change: p.Trp392Ter; replaces tryptophan 392 with a stop codon.
Molecular consequence: nonsense.
Genome position (GRCh38, 1-based): chr15:72,346,681, C>T on the plus strand (G>A on the coding strand, the complement: HEXA is on the minus strand). VCF-style: chr15-72346681-C-T. GRCh37 (hg19) VCF-style: chr15-72639022-C-T.
Other names: c.1176G>A (NM_000520.5); c.1209G>A, p.Trp403Ter (NM_001318825.2); short protein forms W392*, W403*.
Identifiers: ClinVar variation 3936 (VCV000003936.175), dbSNP rs267606862, ClinGen allele CA252934.

ClinVar aggregate classification (germline): Pathogenic. Review status: criteria provided, multiple submitters, no conflicts (2 of 4 stars). 3 submissions from 3 submitters: Pathogenic (2). 1 of the submissions does not count toward it. Last evaluated 2024-12-17.

Conditions:
Tay-Sachs disease (TSD). Also called: HEXA DEFICIENCY; Hexosaminidase A Deficiency; HEXA Disorders; GM2 gangliosidosis, type 1; Hexosaminidase alpha-subunit deficiency (variant B); Sphingolipidosis, Tay-Sachs. Identifiers: Orphanet 845, MedGen C0039373, MONDO:0010100, OMIM 272800.

Allele frequency attached by ClinVar (database versions not stated): gnomAD exomes below 0.00001; TOPMed below 0.00001.
gnomAD v4.1: 1 of 1,614,164 alleles (0.000062%); highest among the groups gnomAD compares: African/African-American, 0.0013%; no homozygotes.

Submissions (3):

Natera, Inc.
Classification: Pathogenic for Tay-Sachs disease. Last evaluated: 2024-12-17. Review status: criteria provided, single submitter. Criteria: Natera Variant Classification Schema (03/2026). Collection method: clinical testing. Allele origin: germline.
Comment: The c.1176G>A variant in HEXA is a nonsense variant predicted to introduce a stop codon at amino acid 392. This variant is expected to result in nonsense mediated decay, truncation, or a dysfunctional protein product. This variant is rare in the general population with a frequency below the threshold expected for the associated phenotype(s). This variant has been observed in one or more individuals affected with the associated recessive disease, as either homozygous or compound heterozygous with a second variant (PMID: 1301958). Given the available evidence, this variant is classified as Pathogenic.

Labcorp Genetics (formerly Invitae), Labcorp
Classification: Pathogenic for Tay-Sachs disease. Last evaluated: 2023-11-17. Review status: criteria provided, single submitter. Criteria: Invitae Variant Classification Sherloc (09022015). Collection method: clinical testing. Allele origin: germline.
Comment: This sequence change creates a premature translational stop signal (p.Trp392*) in the HEXA gene. It is expected to result in an absent or disrupted protein product. Loss-of-function variants in HEXA are known to be pathogenic (PMID: 1833974, 8490625). This variant is not present in population databases (gnomAD no frequency). This premature translational stop signal has been observed in individual(s) with Tay-Sachs disease (PMID: 1301958). ClinVar contains an entry for this variant (Variation ID: 3936). For these reasons, this variant has been classified as Pathogenic.

OMIM
Classification: Pathogenic for TAY-SACHS DISEASE. Last evaluated: 1992-01-01. Review status: no assertion criteria provided. Collection method: literature only. Allele origin: germline. Not counted in ClinVar's aggregate classification.

Literature cited by the submitters: PubMed 1301958 (cited by 3 submitters); PubMed 1833974 (cited by Labcorp Genetics (formerly Invitae), Labcorp); PubMed 8490625 (cited by Labcorp Genetics (formerly Invitae), Labcorp).